The following is an entry in ClinVar:

NM_000548.5(TSC2):c.3671A>T (p.Asn1224Ile)

Gene: TSC2 (TSC complex subunit 2; plus strand). Cytogenetic location: 16p13.3.
Variant type: single nucleotide variant.
Coding change: c.3671A>T on transcript NM_000548.5 (MANE Select); coding-DNA position 3671, A replaced by T.
Protein change: p.Asn1224Ile; replaces asparagine 1224 with isoleucine.
Molecular consequence: missense variant.
Genome position (GRCh38, 1-based): chr16:2,081,655, A>T. VCF-style: chr16-2081655-A-T. GRCh37 (hg19) VCF-style: chr16-2131656-A-T.
Other names: c.3539A>T, p.Asn1180Ile (NM_001077183.3, NM_001370404.1); c.3671A>T, p.Asn1224Ile (NM_001114382.3); c.3431A>T, p.Asn1144Ile (NM_001318827.2); c.3395A>T, p.Asn1132Ile (NM_001318829.2); c.2939A>T, p.Asn980Ile (NM_001318831.2); c.3572A>T, p.Asn1191Ile (NM_001318832.2); c.3542A>T, p.Asn1181Ile (NM_001363528.2, NM_001370405.1, NM_021055.3); short protein forms N1180I, N1144I, N1191I, N1224I, N1132I, N1181I, N980I.
Identifiers: ClinVar variation 1417865 (VCV001417865.12), dbSNP rs1434962054, ClinGen allele CA394292203.

ClinVar aggregate classification (germline): Conflicting classifications of pathogenicity. Review status: criteria provided, conflicting classifications (1 of 4 stars). 2 submissions from 2 submitters: Uncertain significance (1); Benign (1). Last evaluated 2025-08-20.

Conditions:
Tuberous sclerosis 2 (TSC2). Identifiers: Orphanet 805, MedGen C1860707, MONDO:0013199, OMIM 613254.
Hereditary cancer-predisposing syndrome. Also called: Hereditary neoplastic syndrome; Neoplastic Syndromes, Hereditary; Hereditary Cancer Syndrome; Tumor predisposition. Identifiers: Orphanet 140162, MedGen C0027672, MeSH D009386, MONDO:0015356.

Allele frequency attached by ClinVar (database versions not stated): TOPMed below 0.00001; gnomAD exomes 0.00001.
gnomAD v4.1: 1 of 1,612,964 alleles (0.000062%); highest among the groups gnomAD compares: East Asian, 0.0022%; no homozygotes.

Submissions (2):

Ambry Genetics
Classification: Uncertain significance for Hereditary cancer-predisposing syndrome. Last evaluated: 2025-08-20. Review status: criteria provided, single submitter. Criteria: Ambry Variant Classification Scheme 2023. Collection method: clinical testing. Allele origin: germline.
Comment: The p.N1224I variant (also known as c.3671A>T), located in coding exon 30 of the TSC2 gene, results from an A to T substitution at nucleotide position 3671. The asparagine at codon 1224 is replaced by isoleucine, an amino acid with dissimilar properties. This alteration was identified in 1 of 374 patients clinically suspected to have a diagnosis of tuberous sclerosis complex undergoing TSC1 and TSC2 genetic testing (Meng Y et al. J Hum Genet. 2021 Mar;66:227-236). This amino acid position is not well conserved in available vertebrate species. In addition, the in silico prediction for this alteration is inconclusive. Based on the available evidence, the clinical significance of this variant remains unclear.

Labcorp Genetics (formerly Invitae), Labcorp
Classification: Benign for Tuberous sclerosis 2. Last evaluated: 2025-07-08. Review status: criteria provided, single submitter. Criteria: Invitae Variant Classification Sherloc (09022015). Collection method: clinical testing. Allele origin: germline.

Literature cited by the submitters: PubMed 32917966 (cited by Ambry Genetics).